The following is an entry in ClinVar:

NM_003579.4(RAD54L):c.713T>C (p.Ile238Thr)

Gene: RAD54L (RAD54 like; plus strand). Cytogenetic location: 1p34.1.
Variant type: single nucleotide variant.
Coding change: c.713T>C on transcript NM_003579.4 (MANE Select); coding-DNA position 713, T replaced by C.
Protein change: p.Ile238Thr; replaces isoleucine 238 with threonine.
Molecular consequence: missense variant.
Genome position (GRCh38, 1-based): chr1:46,260,962, T>C. VCF-style: chr1-46260962-T-C. GRCh37 (hg19) VCF-style: chr1-46726634-T-C.
Other names: c.713T>C, p.Ile238Thr (NM_001142548.2); c.173T>C, p.Ile58Thr (NM_001370766.1); short protein forms I238T, I58T.
Identifiers: ClinVar variation 2447793 (VCV002447793.2), dbSNP rs2525670245, ClinGen allele CA340187613.
Genomic context (GRCh38, chr1:46,260,962, plus strand): 5'-CGCCTTCCAGCCTGGTGAAGAACTGGTACAATGAGGTTGGGAAATGGCTCGGAGGGAGGA[T>C]CCAACCTCTGGCCATCGATGGAGGATCTAAGGATGAAATAGACCAAAAGCTGGGTACGGA-3'
Protein context (NP_003570.2, residues 228-248): NEVGKWLGGR[Ile238Thr]QPLAIDGGSK

ClinVar aggregate classification (germline): Uncertain significance (1 of 4 stars; one submission).

Submission:

Ambry Genetics
Classification: Uncertain significance. Last evaluated: 2022-12-16. Review status: criteria provided, single submitter. Criteria: Ambry Variant Classification Scheme 2023. Collection method: clinical testing. Allele origin: germline.
Comment: The p.I238T variant (also known as c.713T>C), located in coding exon 7 of the RAD54L gene, results from a T to C substitution at nucleotide position 713. The isoleucine at codon 238 is replaced by threonine, an amino acid with similar properties. This amino acid position is conserved. In addition, the in silico prediction for this alteration is inconclusive. Since supporting evidence is limited at this time, the clinical significance of this alteration remains unclear.